The following is an entry in ClinVar:

NM_003361.4(UMOD):c.1312G>A (p.Ala438Thr)

Gene: UMOD (uromodulin; minus strand). Cytogenetic location: 16p12.3.
Variant type: single nucleotide variant.
Coding change: c.1312G>A on transcript NM_003361.4 (MANE Select); coding-DNA position 1312, G replaced by A.
Protein change: p.Ala438Thr; replaces alanine 438 with threonine.
Molecular consequence: missense variant. On other transcripts: non-coding transcript variant (1).
Genome position (GRCh38, 1-based): chr16:20,344,043, C>T on the plus strand (G>A on the coding strand, the complement: UMOD is on the minus strand). VCF-style: chr16-20344043-C-T. GRCh37 (hg19) VCF-style: chr16-20355365-C-T.
Other names: c.1312G>A, p.Ala438Thr (NM_001008389.3, NM_001378232.1, NM_001378233.1 and 3 more transcripts); c.1411G>A, p.Ala471Thr (NM_001278614.2); short protein forms A471T, A438T.
Identifiers: ClinVar variation 1475032 (VCV001475032.8), dbSNP rs758311815, ClinGen allele CA7939206.

ClinVar aggregate classification (germline): Uncertain significance (1 of 4 stars; one submission).

gnomAD v4.1: 9 of 1,613,854 alleles (0.00056%); highest among the groups gnomAD compares: East Asian, 0.0045%; no homozygotes.

Submission:

Labcorp Genetics (formerly Invitae), Labcorp
Classification: Uncertain significance. Last evaluated: 2025-06-13. Review status: criteria provided, single submitter. Criteria: Invitae Variant Classification Sherloc (09022015). Collection method: clinical testing. Allele origin: germline.
Comment: This sequence change replaces alanine, which is neutral and non-polar, with threonine, which is neutral and polar, at codon 438 of the UMOD protein (p.Ala438Thr). This variant is present in population databases (rs758311815, gnomAD 0.007%). This variant has not been reported in the literature in individuals affected with UMOD-related conditions. ClinVar contains an entry for this variant (Variation ID: 1475032). Invitae Evidence Modeling of protein sequence and biophysical properties (such as structural, functional, and spatial information, amino acid conservation, physicochemical variation, residue mobility, and thermodynamic stability) indicates that this missense variant is not expected to disrupt UMOD protein function with a negative predictive value of 80%. In summary, the available evidence is currently insufficient to determine the role of this variant in disease. Therefore, it has been classified as a Variant of Uncertain Significance.